The following is an entry in ClinVar:

NM_001290321.3(DMXL1):c.6759-10T>C

Gene: DMXL1 (Dmx like 1; plus strand). Cytogenetic location: 5q23.1.
Variant type: single nucleotide variant.
Coding change: c.6759-10T>C on transcript NM_001290321.3 (MANE Select); 10 bases into the intron before coding-DNA position 6759, T replaced by C.
Molecular consequence: intron variant.
Genome position (GRCh38, 1-based): chr5:119,177,347, T>C. VCF-style: chr5-119177347-T-C. GRCh37 (hg19) VCF-style: chr5-118513042-T-C.
Other names: c.6759-10T>C (NM_001349240.2, NM_005509.6, NM_001349239.2 and 1 more transcripts); c.5772-10T>C (NM_001387938.1); c.6054-10T>C (NM_001387937.1); c.6567-10T>C (NM_001387934.1).
Identifiers: ClinVar variation 3060506 (VCV003060506.2), dbSNP rs4421136, ClinGen allele CA3380651.

ClinVar aggregate classification (germline): Benign (0 of 4 stars; one submission).

Conditions:
DMXL1-related disorder. Also called: DMXL1-related condition.

Allele frequency attached by ClinVar (database versions not stated): gnomAD exomes 0.01082; gnomAD 0.09037; ESP Exome Variant Server 0.09641; 1000 Genomes Project 0.09704; ExAC 0.10314; TOPMed 0.10325; 1000 Genomes Project 30x 0.10337.
gnomAD v4.1: 28,743 of 1,481,722 alleles (1.9%); highest among the groups gnomAD compares: African/African-American, 30%; 3,398 homozygotes.

Submission:

PreventionGenetics, part of Exact Sciences
Classification: Benign for DMXL1-related condition. Last evaluated: 2019-03-25. Review status: no assertion criteria provided. Collection method: clinical testing. Allele origin: germline.
Comment: This variant is classified as benign based on ACMG/AMP sequence variant interpretation guidelines (Richards et al. 2015 PMID: 25741868, with internal and published modifications).